The following is an entry in ClinVar:

NM_198904.4(GABRG2):c.573A>T (p.Gln191His)

Gene: GABRG2 (gamma-aminobutyric acid type A receptor subunit gamma2; plus strand). Cytogenetic location: 5q34.
Variant type: single nucleotide variant.
Coding change: c.573A>T on transcript NM_198904.4 (MANE Select); coding-DNA position 573, A replaced by T.
Protein change: p.Gln191His; replaces glutamine 191 with histidine.
Molecular consequence: missense variant.
Genome position (GRCh38, 1-based): chr5:162,101,259, A>T. VCF-style: chr5-162101259-A-T. GRCh37 (hg19) VCF-style: chr5-161528265-A-T.
Other names: c.486A>T, p.Gln162His (NM_001375347.1); c.153A>T, p.Gln51His (NM_001375348.1, NM_001375350.1); c.288A>T, p.Gln96His (NM_001375349.1); c.573A>T, p.Gln191His (NM_198903.2, NM_000816.3, NM_001375340.1 and 4 more transcripts); c.564A>T, p.Gln188His (NM_001375339.1); c.507A>T, p.Gln169His (NM_001375345.1, NM_001375346.1); short protein forms Q162H, Q96H, Q188H, Q51H, Q169H, Q191H.
Identifiers: ClinVar variation 4620550 (VCV004620550.2).

ClinVar aggregate classification (germline): Uncertain significance (1 of 4 stars; one submission).

Conditions:
Inborn genetic diseases. Identifiers: MedGen C0950123, MeSH D030342.

Submission:

Ambry Genetics
Classification: Uncertain significance for Inborn genetic diseases. Last evaluated: 2025-12-22. Review status: criteria provided, single submitter. Criteria: Ambry Variant Classification Scheme 2023. Collection method: clinical testing. Allele origin: germline.
Comment: The c.573A>T (p.Q191H) alteration is located in exon 5 (coding exon 5) of the GABRG2 gene. This alteration results from a A to T substitution at nucleotide position 573, causing the glutamine (Q) at amino acid position 191 to be replaced by a histidine (H). This variant was not reported in population-based cohorts in the Genome Aggregation Database (gnomAD). This amino acid position is highly conserved in available vertebrate species. This missense alteration is located in a region that has a low rate of benign missense variation (Lek, 2016; Firth, 2009). The in silico prediction for this alteration is inconclusive. Based on insufficient or conflicting evidence, the clinical significance of this alteration remains unclear.